The following is an entry in ClinVar:

ClinVar aggregate classification (germline): Likely benign. Review status: reviewed by expert panel (3 of 4 stars). 7 submissions from 7 submitters: Likely benign (1). 6 of the submissions do not count toward it. Last evaluated 2017-06-29.

Conditions:
BRCA2-related cancer predisposition. Identifiers: MedGen CN377758, MONDO:0700269.
BRCA2-related disorder. Also called: BRCA2-related condition; BRCA2-related disorders. Identifiers: MedGen CN239275.
Hereditary cancer-predisposing syndrome. Also called: Neoplastic Syndromes, Hereditary; Hereditary neoplastic syndrome; Hereditary Cancer Syndrome; Tumor predisposition. Identifiers: Orphanet 140162, MedGen C0027672, MeSH D009386, MONDO:0015356.
Hereditary breast ovarian cancer syndrome. Also called: Hereditary breast and ovarian cancer syndrome; Hereditary breast and/or ovarian cancer syndrome; BRCA1- and BRCA2-Associated Hereditary Breast and Ovarian Cancer; Breast and ovarian cancer; Hereditary breast and ovarian cancer syndrome (HBOC); Hereditary breast and ovarian cancer. Identifiers: Orphanet 145, MedGen C0677776, MeSH D061325, MONDO:0003582. Disease mechanism: loss of function.
Breast-ovarian cancer, familial, susceptibility to, 2 (BROVCA2). Also called: BRCA2 Hereditary Breast and Ovarian Cancer. Identifiers: Orphanet 145, MedGen C2675520, MONDO:0012933, OMIM 612555. Disease mechanism: loss of function.

Allele frequency attached by ClinVar (database versions not stated): gnomAD exomes below 0.00001 and 0.00001; ExAC 0.00001; TOPMed 0.00002.
gnomAD v4.1: 2 of 1,609,848 alleles (0.00012%); highest among the groups gnomAD compares: Admixed American, 0.0033%; no homozygotes.

Submissions (7):

Evidence-based Network for the Interpretation of Germline Mutant Alleles (ENIGMA)
Classification: Likely benign for Breast-ovarian cancer, familial, susceptibility to, 2. Last evaluated: 2017-06-29. Review status: reviewed by expert panel. Criteria: ENIGMA BRCA1/2 Classification Criteria (2017-06-29). Collection method: curation. Allele origin: germline.
Comment: Synonymous substitution variant, with low bioinformatic likelihood to result in a splicing aberration (Splicing prior probability 0.02).

PreventionGenetics, part of Exact Sciences
Classification: Likely benign for BRCA2-related condition. Last evaluated: 2026-09-25. Review status: criteria provided, single submitter. Criteria: ACMG Guidelines, 2015. Collection method: clinical testing. Allele origin: germline. Not counted in ClinVar's aggregate classification.
Comment: This variant is classified as likely benign based on ACMG/AMP sequence variant interpretation guidelines (Richards et al. 2015 PMID: 25741868, with internal and published modifications).

Labcorp Genetics (formerly Invitae), Labcorp
Classification: Likely benign for Hereditary breast ovarian cancer syndrome. Last evaluated: 2025-11-13. Review status: criteria provided, single submitter. Criteria: Invitae Variant Classification Sherloc (09022015). Collection method: clinical testing. Allele origin: germline. Not counted in ClinVar's aggregate classification.

All of Us Research Program, National Institutes of Health
Classification: Likely benign for BRCA2-related cancer predisposition. Last evaluated: 2024-08-06. Review status: criteria provided, single submitter. Criteria: ACMG Guidelines, 2015. Collection method: clinical testing. Allele origin: germline. Inheritance: Autosomal dominant inheritance. Observed: 3 variant alleles, 3 heterozygotes. Not counted in ClinVar's aggregate classification.
Comment: This study involves interpretation of variants in research participants for the purpose of population health screening. Participant phenotype was not available at the time of variant classification. Additional details can be found in publication PMID: 35346344, PMCID: PMC8962531

Quest Diagnostics Nichols Institute San Juan Capistrano
Classification: Likely benign. Last evaluated: 2021-01-05. Review status: criteria provided, single submitter. Criteria: Quest Diagnostics criteria. Collection method: clinical testing. Allele origin: unknown. Not counted in ClinVar's aggregate classification.

Women's Health and Genetics/Laboratory Corporation of America, LabCorp
Classification: Likely benign. Last evaluated: 2020-10-08. Review status: criteria provided, single submitter. Criteria: LabCorp Variant Classification Summary - May 2015. Collection method: clinical testing. Allele origin: germline. Not counted in ClinVar's aggregate classification.

Ambry Genetics
Classification: Likely benign for Hereditary cancer-predisposing syndrome. Last evaluated: 2020-01-21. Review status: criteria provided, single submitter. Criteria: Ambry Variant Classification Scheme 2023. Collection method: clinical testing. Allele origin: germline. Not counted in ClinVar's aggregate classification.

Literature cited by the submitters: PubMed 26295337 (cited by Quest Diagnostics Nichols Institute San Juan Capistrano).

NM_000059.4(BRCA2):c.606C>T (p.Pro202=)

Gene: BRCA2 (BRCA2 DNA repair associated; plus strand). Cytogenetic location: 13q13.1.
Variant type: single nucleotide variant.
Coding change: c.606C>T on transcript NM_000059.4 (MANE Select); coding-DNA position 606, C replaced by T.
Protein change: p.Pro202=; no amino-acid change (proline 202 retained).
Molecular consequence: synonymous variant.
Genome position (GRCh38, 1-based): chr13:32,326,588, C>T. VCF-style: chr13-32326588-C-T. GRCh37 (hg19) VCF-style: chr13-32900725-C-T.
Identifiers: ClinVar variation 252412 (VCV000252412.21), dbSNP rs747726394, ClinGen allele CA6940401.